The following is an entry in ClinVar:

NM_002470.4(MYH3):c.1930T>C (p.Ser644Pro)

Gene: MYH3 (myosin heavy chain 3; minus strand). Cytogenetic location: 17p13.1.
Variant type: single nucleotide variant.
Coding change: c.1930T>C on transcript NM_002470.4 (MANE Select); coding-DNA position 1930, T replaced by C.
Protein change: p.Ser644Pro; replaces serine 644 with proline.
Molecular consequence: missense variant.
Genome position (GRCh38, 1-based): chr17:10,642,269, A>G on the plus strand (T>C on the coding strand, the complement: MYH3 is on the minus strand). VCF-style: chr17-10642269-A-G. GRCh37 (hg19) VCF-style: chr17-10545586-A-G.
Other names: c.1930T>C (NM_002470.3); short protein forms S644P.
Identifiers: ClinVar variation 1721874 (VCV001721874.6), dbSNP rs2508610556, ClinGen allele CA398169994.
Genomic context (GRCh38, chr17:10,642,269, plus strand): 5'-TTATAAGCAAATAAACTTGTATTTTTCTTACCCTGAAAAGGGCAGAGACAGTTTGGAAGG[A>G]AGAACCCTTCTTCTTGGCAACTTTCTTCTTTCCACTGTCAGCTGAAAGCAATAAGGGAGG-3'
Protein context (NP_002461.2, residues 634-654): KKKVAKKKGS[Ser644Pro]FQTVSALFRE

ClinVar aggregate classification (germline): Uncertain significance. Review status: criteria provided, multiple submitters, no conflicts (2 of 4 stars). 2 submissions from 2 submitters: Uncertain significance (2). Last evaluated 2023-03-30.

Submissions (2):

GeneDx
Classification: Uncertain significance. Last evaluated: 2023-03-30. Review status: criteria provided, single submitter. Criteria: GeneDx Variant Classification Process June 2021. Collection method: clinical testing. Allele origin: germline. Affected: yes.
Comment: Not observed at significant frequency in large population cohorts (gnomAD); In silico analysis supports that this missense variant has a deleterious effect on protein structure/function; Has not been previously published as pathogenic or benign to our knowledge

Labcorp Genetics (formerly Invitae), Labcorp
Classification: Uncertain significance. Last evaluated: 2022-10-19. Review status: criteria provided, single submitter. Criteria: Invitae Variant Classification Sherloc (09022015). Collection method: clinical testing. Allele origin: germline.
Comment: In summary, the available evidence is currently insufficient to determine the role of this variant in disease. Therefore, it has been classified as a Variant of Uncertain Significance. Algorithms developed to predict the effect of missense changes on protein structure and function (SIFT, PolyPhen-2, Align-GVGD) all suggest that this variant is likely to be disruptive. This variant has not been reported in the literature in individuals affected with MYH3-related conditions. This variant is not present in population databases (gnomAD no frequency). This sequence change replaces serine, which is neutral and polar, with proline, which is neutral and non-polar, at codon 644 of the MYH3 protein (p.Ser644Pro).